The following is an entry in ClinVar:

ClinVar aggregate classification (germline): Uncertain significance (1 of 4 stars; one submission).

Conditions:
Developmental and epileptic encephalopathy 94 (DEE94). Also called: Epileptic encephalopathy, childhood-onset; CHD2-Related Neurodevelopmental Disorders. Identifiers: Orphanet 1942, Orphanet 2382, MedGen C3809278, MONDO:0014150, OMIM 615369.

Allele frequency attached by ClinVar (database versions not stated): gnomAD exomes below 0.00001; TOPMed below 0.00001; ExAC 0.00001; gnomAD 0.00001.
gnomAD v4.1: 2 of 1,614,086 alleles (0.00012%); highest among the groups gnomAD compares: Non-Finnish European, 0.00017%; no homozygotes.

Submission:

Labcorp Genetics (formerly Invitae), Labcorp
Classification: Uncertain significance for Developmental and epileptic encephalopathy 94. Last evaluated: 2025-11-23. Review status: criteria provided, single submitter. Criteria: Invitae Variant Classification Sherloc (09022015). Collection method: clinical testing. Allele origin: germline.
Comment: This sequence change replaces tyrosine, which is neutral and polar, with cysteine, which is neutral and slightly polar, at codon 1753 of the CHD2 protein (p.Tyr1753Cys). This variant is present in population databases (rs765267794, gnomAD 0.002%). This variant has not been reported in the literature in individuals affected with CHD2-related conditions. ClinVar contains an entry for this variant (Variation ID: 959984). Invitae Evidence Modeling of protein sequence and biophysical properties (such as structural, functional, and spatial information, amino acid conservation, physicochemical variation, residue mobility, and thermodynamic stability) indicates that this missense variant is not expected to disrupt CHD2 protein function with a negative predictive value of 95%. In summary, the available evidence is currently insufficient to determine the role of this variant in disease. Therefore, it has been classified as a Variant of Uncertain Significance.

NM_001271.4(CHD2):c.5258A>G (p.Tyr1753Cys)

Gene: CHD2 (chromodomain helicase DNA binding protein 2; plus strand). Cytogenetic location: 15q26.1.
Variant type: single nucleotide variant.
Coding change: c.5258A>G on transcript NM_001271.4 (MANE Select); coding-DNA position 5258, A replaced by G.
Protein change: p.Tyr1753Cys; replaces tyrosine 1753 with cysteine.
Molecular consequence: missense variant.
Genome position (GRCh38, 1-based): chr15:93,024,476, A>G. VCF-style: chr15-93024476-A-G. GRCh37 (hg19) VCF-style: chr15-93567706-A-G.
Other names: short protein forms Y1753C.
Identifiers: ClinVar variation 959984 (VCV000959984.10), dbSNP rs765267794, ClinGen allele CA7748712.
Genomic context (GRCh38, chr15:93,024,476, plus strand): 5'-CTCAAAATTACCACCAGCAGGATTTCCGACGAATGTCTGATCACCGCCCCGCTATGGGCT[A>G]CCATGGCCAGGGACCCTCAGACCATTACCGCTCTTTCCACACAGATAAACTGGGGGAATA-3'
Protein context (NP_001262.3, residues 1743-1763): RMSDHRPAMG[Tyr1753Cys]HGQGPSDHYR